The following is an entry in ClinVar:

NM_002496.4(NDUFS8):c.592G>A (p.Glu198Lys)

Gene: NDUFS8 (NADH:ubiquinone oxidoreductase core subunit S8; plus strand). Cytogenetic location: 11q13.2.
Variant type: single nucleotide variant.
Coding change: c.592G>A on transcript NM_002496.4 (MANE Select); coding-DNA position 592, G replaced by A.
Protein change: p.Glu198Lys; replaces glutamic acid 198 with lysine.
Molecular consequence: missense variant.
Genome position (GRCh38, 1-based): chr11:68,036,552, G>A. VCF-style: chr11-68036552-G-A. GRCh37 (hg19) VCF-style: chr11-67804019-G-A.
Other names: c.592G>A (NM_002496.3); short protein forms E198K.
Identifiers: ClinVar variation 1305656 (VCV001305656.8), dbSNP rs1367957130, ClinGen allele CA381570238.

ClinVar aggregate classification (germline): Uncertain significance. Review status: criteria provided, multiple submitters, no conflicts (2 of 4 stars). 3 submissions from 3 submitters: Uncertain significance (3). Last evaluated 2025-04-24.

Conditions:
Inborn genetic diseases. Identifiers: MedGen C0950123, MeSH D030342.

Allele frequency attached by ClinVar (database versions not stated): gnomAD exomes below 0.00001; gnomAD 0.00001.
gnomAD v4.1: 9 of 1,613,954 alleles (0.00056%); highest among the groups gnomAD compares: Admixed American, 0.0017%; no homozygotes.

Submissions (3):

Ambry Genetics
Classification: Uncertain significance for Inborn genetic diseases. Last evaluated: 2025-04-24. Review status: criteria provided, single submitter. Criteria: Ambry Variant Classification Scheme 2023. Collection method: clinical testing. Allele origin: germline.

Labcorp Genetics (formerly Invitae), Labcorp
Classification: Uncertain significance. Last evaluated: 2022-07-18. Review status: criteria provided, single submitter. Criteria: Invitae Variant Classification Sherloc (09022015). Collection method: clinical testing. Allele origin: germline.
Comment: In summary, the available evidence is currently insufficient to determine the role of this variant in disease. Therefore, it has been classified as a Variant of Uncertain Significance. ClinVar contains an entry for this variant (Variation ID: 1305656). Algorithms developed to predict the effect of missense changes on protein structure and function (SIFT, PolyPhen-2, Align-GVGD) all suggest that this variant is likely to be disruptive. This variant is present in population databases (no rsID available, gnomAD 0.003%). This sequence change replaces glutamic acid, which is acidic and polar, with lysine, which is basic and polar, at codon 198 of the NDUFS8 protein (p.Glu198Lys). This variant has not been reported in the literature in individuals affected with NDUFS8-related conditions.

GeneDx
Classification: Uncertain significance. Last evaluated: 2019-05-06. Review status: criteria provided, single submitter. Criteria: GeneDx Variant Classification Process June 2021. Collection method: clinical testing. Allele origin: germline. Affected: yes.
Comment: Has not been previously published as pathogenic or benign to our knowledge; Not observed at a significant frequency in large population cohorts (Lek et al., 2016); In silico analysis, which includes protein predictors and evolutionary conservation, supports a deleterious effect